The following is an entry in ClinVar:

ClinVar aggregate classification (germline): Conflicting classifications of pathogenicity. Review status: criteria provided, conflicting classifications (1 of 4 stars). 9 submissions from 9 submitters: Uncertain significance (1); Benign (2); Likely benign (6). Last evaluated 2026-01-05.

Conditions:
Hereditary diffuse gastric adenocarcinoma (HDGC). Also called: DIFFUSE GASTRIC AND LOBULAR BREAST CANCER SYNDROME. Identifiers: Orphanet 26106, MedGen C1708349, MONDO:0007648, OMIM 137215.
Hereditary cancer-predisposing syndrome. Also called: Neoplastic Syndromes, Hereditary; Hereditary neoplastic syndrome; Tumor predisposition; Hereditary Cancer Syndrome. Identifiers: Orphanet 140162, MedGen C0027672, MeSH D009386, MONDO:0015356.

Allele frequency attached by ClinVar (database versions not stated): gnomAD exomes 0.00001 and 0.00002; ExAC 0.00002; TOPMed 0.00002; gnomAD 0.00005 and 0.00006.
gnomAD v4.1: 30 of 1,613,002 alleles (0.0019%); highest among the groups gnomAD compares: Non-Finnish European, 0.0019%; no homozygotes.

Submissions (9):

Labcorp Genetics (formerly Invitae), Labcorp
Classification: Likely benign for Hereditary diffuse gastric adenocarcinoma. Last evaluated: 2026-01-05. Review status: criteria provided, single submitter. Criteria: Invitae Variant Classification Sherloc (09022015). Collection method: clinical testing. Allele origin: germline.

Myriad Genetics, Inc.
Classification: Benign for Hereditary diffuse gastric adenocarcinoma. Last evaluated: 2024-09-20. Review status: criteria provided, single submitter. Criteria: Myriad Autosomal Dominant, Autosomal Recessive and X-Linked Classification Criteria (2023). Collection method: clinical testing. Allele origin: unknown.
Comment: This variant is considered benign. This variant is a silent/synonymous amino acid change and it is not expected to impact splicing.

Women's Health and Genetics/Laboratory Corporation of America, LabCorp
Classification: Likely benign. Last evaluated: 2023-04-20. Review status: criteria provided, single submitter. Criteria: LabCorp Variant Classification Summary - May 2015. Collection method: clinical testing. Allele origin: germline.

European Reference Network on Genetic Tumour Risk Syndromes (ERN-GENTURIS), i3s - Instituto de Investigação e Inovação em Saúde, University of Porto
Classification: Uncertain significance for Hereditary diffuse gastric adenocarcinoma. Last evaluated: 2022-08-01. Review status: criteria provided, single submitter. Criteria: Lee et al. (Hum Mutat. 2018). Collection method: clinical testing. Allele origin: germline. Inheritance: Autosomal dominant inheritance. Affected: no. Study: ERN GENTURIS.
Comment: Not applicable criteria (PMID: 30311375)

CeGaT Center for Human Genetics Tuebingen
Classification: Likely benign. Last evaluated: 2022-06-01. Review status: criteria provided, single submitter. Criteria: CeGaT Center For Human Genetics Tuebingen Variant Classification Criteria Version 2. Collection method: clinical testing. Allele origin: germline. Affected: yes. Observed: 1 variant allele.
Comment: CDH1: BP4, BP7

Sema4
Classification: Likely benign for Hereditary cancer-predisposing syndrome. Last evaluated: 2020-10-01. Review status: criteria provided, single submitter. Criteria: Sema4 Curation Guidelines. Collection method: curation. Allele origin: germline.

Color Diagnostics, LLC DBA Color Health
Classification: Likely benign for Hereditary cancer-predisposing syndrome. Last evaluated: 2018-03-28. Review status: criteria provided, single submitter. Criteria: ACMG Guidelines, 2015. Collection method: clinical testing. Allele origin: germline.

Ambry Genetics
Classification: Likely benign for Hereditary cancer-predisposing syndrome. Last evaluated: 2015-05-08. Review status: criteria provided, single submitter. Criteria: Ambry Variant Classification Scheme 2023. Collection method: clinical testing. Allele origin: germline.

GeneDx
Classification: Benign. Last evaluated: 2015-03-03. Review status: criteria provided, single submitter. Criteria: GeneDx Variant Classification Process June 2021. Collection method: clinical testing. Allele origin: germline. Affected: yes.

Literature cited by the submitters: PubMed 36436516 (cited by European Reference Network on Genetic Tumour Risk Syndromes (ERN-GENTURIS), i3s - Instituto de Investigação e Inovação em Saúde, University of Porto).

NM_004360.5(CDH1):c.2136G>T (p.Gly712=)

Gene: CDH1 (cadherin 1; plus strand). Cytogenetic location: 16q22.1.
Variant type: single nucleotide variant.
Coding change: c.2136G>T on transcript NM_004360.5 (MANE Select); coding-DNA position 2136, G replaced by T.
Protein change: p.Gly712=; no amino-acid change (glycine 712 retained).
Molecular consequence: synonymous variant.
Genome position (GRCh38, 1-based): chr16:68,823,598, G>T. VCF-style: chr16-68823598-G-T. GRCh37 (hg19) VCF-style: chr16-68857501-G-T.
Other names: c.2136G>T (LRG_301t1); c.1953G>T, p.Gly651= (NM_001317184.2); c.588G>T, p.Gly196= (NM_001317185.2); c.171G>T, p.Gly57= (NM_001317186.2).
Identifiers: ClinVar variation 406673 (VCV000406673.49), dbSNP rs763402728, ClinGen allele CA8130197.